The following is an entry in ClinVar:

NM_001171.6(ABCC6):c.3992C>T (p.Ala1331Val)

Gene: ABCC6 (ATP binding cassette subfamily C member 6; minus strand). Cytogenetic location: 16p13.11.
Variant type: single nucleotide variant.
Coding change: c.3992C>T on transcript NM_001171.6 (MANE Select); coding-DNA position 3992, C replaced by T.
Protein change: p.Ala1331Val; replaces alanine 1331 with valine.
Molecular consequence: missense variant. On other transcripts: non-coding transcript variant (1).
Genome position (GRCh38, 1-based): chr16:16,154,922, G>A on the plus strand (C>T on the coding strand, the complement: ABCC6 is on the minus strand). VCF-style: chr16-16154922-G-A. GRCh37 (hg19) VCF-style: chr16-16248779-G-A.
Other names: c.3992C>T (NM_001171.5); c.3650C>T, p.Ala1217Val (NM_001351800.1); short protein forms A1217V, A1331V.
Identifiers: ClinVar variation 2155339 (VCV002155339.6), dbSNP rs752785718, ClinGen allele CA7925359.
Genomic context (GRCh38, chr16:16,154,922, plus strand): 5'-ACCAGCCTCACCTGGGGGATGATGCTGATCCTGGAGCGCAGTGTGTGCAGCCCCACGTGG[G>A]CAATGGGGACCCCGTCGATCCAGATCCCACCCTCAGCTGCCTCCTGGAGCCGCAGCAGCC-3'
Protein context (NP_001162.5, residues 1321-1341): GGIWIDGVPI[Ala1331Val]HVGLHTLRSR

ClinVar aggregate classification (germline): Uncertain significance. Review status: criteria provided, multiple submitters, no conflicts (2 of 4 stars). 3 submissions from 3 submitters: Uncertain significance (3). Last evaluated 2024-04-02.

Conditions:
Autosomal recessive inherited pseudoxanthoma elasticum (PXE). Identifiers: Orphanet 758, MedGen CN032334, MONDO:0009925, OMIM 264800.
Pseudoxanthoma elasticum, forme fruste. Also called: Pseudoxanthoma Elasticum, Incomplete; PSEUDOXANTHOMA ELASTICUM, HETEROZYGOUS. Identifiers: Orphanet 758, MedGen C1867450, MONDO:0008333, OMIM 177850.
Arterial calcification, generalized, of infancy, 2. Identifiers: Orphanet 51608, MedGen C3276161, MONDO:0013768, OMIM 614473.
Inborn genetic diseases. Identifiers: MedGen C0950123, MeSH D030342.

Allele frequency attached by ClinVar (database versions not stated): ExAC 0.00001; gnomAD 0.00001; TOPMed 0.00003.
gnomAD v4.1: 6 of 1,607,936 alleles (0.00037%); highest among the groups gnomAD compares: African/African-American, 0.0027%; no homozygotes.

Submissions (3):

Fulgent Genetics
Classification: Uncertain significance for Pseudoxanthoma elasticum, forme fruste; Autosomal recessive inherited pseudoxanthoma elasticum; Arterial calcification, generalized, of infancy, 2. Last evaluated: 2024-04-02. Review status: criteria provided, single submitter. Criteria: ACMG Guidelines, 2015. Collection method: clinical testing. Allele origin: germline.

Labcorp Genetics (formerly Invitae), Labcorp
Classification: Uncertain significance. Last evaluated: 2022-07-13. Review status: criteria provided, single submitter. Criteria: Invitae Variant Classification Sherloc (09022015). Collection method: clinical testing. Allele origin: germline.
Comment: The frequency data for this variant in the population databases is considered unreliable, as metrics indicate poor data quality at this position in the gnomAD database. In summary, the available evidence is currently insufficient to determine the role of this variant in disease. Therefore, it has been classified as a Variant of Uncertain Significance. Advanced modeling of protein sequence and biophysical properties (such as structural, functional, and spatial information, amino acid conservation, physicochemical variation, residue mobility, and thermodynamic stability) performed at Invitae indicates that this missense variant is not expected to disrupt ABCC6 protein function. This variant has not been reported in the literature in individuals affected with ABCC6-related conditions. This sequence change replaces alanine, which is neutral and non-polar, with valine, which is neutral and non-polar, at codon 1331 of the ABCC6 protein (p.Ala1331Val).

Ambry Genetics
Classification: Uncertain significance for Inborn genetic diseases. Last evaluated: 2022-05-04. Review status: criteria provided, single submitter. Criteria: Ambry Variant Classification Scheme 2023. Collection method: clinical testing. Allele origin: germline.